The following is an entry in ClinVar:

NM_024884.3(L2HGDH):c.164G>A (p.Gly55Asp)

Gene: L2HGDH (L-2-hydroxyglutarate dehydrogenase; minus strand). Cytogenetic location: 14q21.3.
Variant type: single nucleotide variant.
Coding change: c.164G>A on transcript NM_024884.3 (MANE Select); coding-DNA position 164, G replaced by A.
Protein change: p.Gly55Asp; replaces glycine 55 with aspartic acid.
Molecular consequence: missense variant.
Genome position (GRCh38, 1-based): chr14:50,302,994, C>T on the plus strand (G>A on the coding strand, the complement: L2HGDH is on the minus strand). VCF-style: chr14-50302994-C-T. GRCh37 (hg19) VCF-style: chr14-50769712-C-T.
Other names: L2HGDH, GLY55ASP; c.164G>A (NM_024884.2); short protein forms G55D.
Identifiers: ClinVar variation 1610 (VCV000001610.6), dbSNP rs118204021, ClinGen allele CA115108.
Genomic context (GRCh38, chr14:50,302,994, plus strand): 5'-GAAAGTGATGGATGTCGCAGGATGAGTGCTCTGGCAGAGGCAAGCCCCACAATTCCGCCA[C>T]CAACGATGACTATATCAAATGAGCTTCAAAAGAAAGTCATCTTTAAAGTAATTCATATTT-3'
Protein context (NP_079160.1, residues 45-65): STSSFDIVIV[Gly55Asp]GGIVGLASAR

ClinVar aggregate classification (germline): Pathogenic. Review status: criteria provided, single submitter (1 of 4 stars). 3 submissions from 3 submitters: Pathogenic (1). 2 of the submissions do not count toward it. Last evaluated 2023-11-30.

Conditions:
L2HGDH-related disorder. Also called: L2HGDH-related condition.
L-2-hydroxyglutaric aciduria (L2HGA). Identifiers: Orphanet 79314, MedGen C1855995, MONDO:0009370, OMIM 236792, HP:0040144.

Allele frequency attached by ClinVar (database versions not stated): gnomAD exomes below 0.00001.
gnomAD v4.1: 1 of 1,612,106 alleles (0.000062%); highest among the groups gnomAD compares: Non-Finnish European, 0.000085%; no homozygotes.

Submissions (3):

Department of Human Genetics, Hannover Medical School
Classification: Pathogenic for L-2-hydroxyglutaric aciduria. Last evaluated: 2023-11-30. Review status: criteria provided, single submitter. Criteria: ACMG Guidelines, 2015. Collection method: clinical testing. Allele origin: germline. Affected: yes.

PreventionGenetics, part of Exact Sciences
Classification: Likely pathogenic for L2HGDH-related condition. Last evaluated: 2024-01-30. Review status: no assertion criteria provided. Collection method: clinical testing. Allele origin: germline. Not counted in ClinVar's aggregate classification.
Comment: The L2HGDH c.164G>A variant is predicted to result in the amino acid substitution p.Gly55Asp. This variant was reported in the homozygous state in four individuals from three families; all individuals had biochemically confirmed L-2-Hydroxyglutaric aciduria (Topcu et al. 2004. PubMed ID: 15385440). It was also reported in the compound heterozygous state with a pathogenic frameshift variant in two affected relatives (Sass et al. 2008. PubMed ID: 18415700). This variant has not been reported in a large population database, indicating this variant is rare. This variant is interpreted as likely pathogenic.

OMIM
Classification: Pathogenic for L-2-HYDROXYGLUTARIC ACIDURIA. Last evaluated: 2004-11-15. Review status: no assertion criteria provided. Collection method: literature only. Allele origin: germline. Not counted in ClinVar's aggregate classification.

Literature cited by the submitters: PubMed 15385440 (cited by OMIM).